The following is an entry in ClinVar:

ClinVar aggregate classification (germline): Uncertain significance. Review status: criteria provided, multiple submitters, no conflicts (2 of 4 stars). 2 submissions from 2 submitters: Uncertain significance (2). Last evaluated 2024-06-13.

Submissions (2):

Labcorp Genetics (formerly Invitae), Labcorp
Classification: Uncertain significance. Last evaluated: 2024-06-13. Review status: criteria provided, single submitter. Criteria: Invitae Variant Classification Sherloc (09022015). Collection method: clinical testing. Allele origin: germline.
Comment: This sequence change replaces asparagine, which is neutral and polar, with serine, which is neutral and polar, at codon 2134 of the MYO7A protein (p.Asn2134Ser). This variant is not present in population databases (gnomAD no frequency). This variant has not been reported in the literature in individuals affected with MYO7A-related conditions. Advanced modeling of protein sequence and biophysical properties (such as structural, functional, and spatial information, amino acid conservation, physicochemical variation, residue mobility, and thermodynamic stability) performed at Invitae indicates that this missense variant is not expected to disrupt MYO7A protein function with a negative predictive value of 95%. In summary, the available evidence is currently insufficient to determine the role of this variant in disease. Therefore, it has been classified as a Variant of Uncertain Significance.

Blueprint Genetics
Classification: Uncertain significance. Last evaluated: 2021-09-29. Review status: criteria provided, single submitter. Criteria: ACMG Guidelines, 2015. Collection method: clinical testing. Allele origin: germline.

NM_000260.4(MYO7A):c.6401A>G (p.Asn2134Ser)

Gene: MYO7A (myosin VIIA; plus strand). Cytogenetic location: 11q13.5.
Variant type: single nucleotide variant.
Coding change: c.6401A>G on transcript NM_000260.4 (MANE Select); coding-DNA position 6401, A replaced by G.
Protein change: p.Asn2134Ser; replaces asparagine 2134 with serine.
Molecular consequence: missense variant.
Genome position (GRCh38, 1-based): chr11:77,212,998, A>G. VCF-style: chr11-77212998-A-G. GRCh37 (hg19) VCF-style: chr11-76924043-A-G.
Other names: c.6281A>G, p.Asn2094Ser (NM_001127180.2); c.6254A>G, p.Asn2085Ser (NM_001369365.1); short protein forms N2085S, N2094S, N2134S.
Identifiers: ClinVar variation 3613853 (VCV003613853.3).
Genomic context (GRCh38, chr11:77,212,998, plus strand): 5'-ATCTTTTTTTCTAGCAAACTACGGAGCCAAACTTCCCTGAGATCCTCCTAATTGCCATCA[A>G]CAAGTATGGGGTCAGCCTCATCGATCCCAAAACGAAGGTGAGCAGGGATAAGGCAGCAAG-3'
Protein context (NP_000251.3, residues 2124-2144): NFPEILLIAI[Asn2134Ser]KYGVSLIDPK